The following is an entry in ClinVar:

ClinVar aggregate classification (germline): Benign/Likely benign. Review status: criteria provided, multiple submitters, no conflicts (2 of 4 stars). 2 submissions from 2 submitters: Benign (1); Likely benign (1). Last evaluated 2026-09-29.

Conditions:
Neurofibromatosis, type 1 (NF1). Also called: Neurofibromatosis, type I; VON RECKLINGHAUSEN DISEASE; Peripheral type neurofibromatosis; NEUROFIBROMATOSIS, TYPE I, SOMATIC. Identifiers: Orphanet 636, MedGen C0027831, MONDO:0018975, OMIM 162200. Disease mechanism: loss of function.

Submissions (2):

Myriad Genetics, Inc.
Classification: Benign for Neurofibromatosis, type 1. Last evaluated: 2026-09-29. Review status: criteria provided, single submitter. Criteria: Myriad Autosomal Dominant, Autosomal Recessive and X-Linked Classification Criteria (2023). Collection method: clinical testing. Allele origin: unknown.
Comment: This variant is considered benign. This variant is a silent/synonymous amino acid change and it is not expected to impact splicing.

Labcorp Genetics (formerly Invitae), Labcorp
Classification: Likely benign for Neurofibromatosis, type 1. Last evaluated: 2025-06-16. Review status: criteria provided, single submitter. Criteria: Invitae Variant Classification Sherloc (09022015). Collection method: clinical testing. Allele origin: germline.

NM_001042492.3(NF1):c.1992C>T (p.Asn664=)

Gene: NF1 (neurofibromin 1; plus strand). Cytogenetic location: 17q11.2.
Variant type: single nucleotide variant.
Coding change: c.1992C>T on transcript NM_001042492.3 (MANE Select); coding-DNA position 1992, C replaced by T.
Protein change: p.Asn664=; no amino-acid change (asparagine 664 retained).
Molecular consequence: synonymous variant.
Genome position (GRCh38, 1-based): chr17:31,225,241, C>T. VCF-style: chr17-31225241-C-T. GRCh37 (hg19) VCF-style: chr17-29552259-C-T.
Other names: c.1992C>T, p.Asn664= (NM_000267.4).
Identifiers: ClinVar variation 1128104 (VCV001128104.8), dbSNP rs2144027926, ClinGen allele CA499231941.